The following is an entry in ClinVar:

ClinVar aggregate classification (germline): Uncertain significance (1 of 4 stars; one submission).

Conditions:
Congenital disorder of deglycosylation (CDDG). Identifiers: MedGen C3808991, MONDO:0031376.

Allele frequency attached by ClinVar (database versions not stated): TOPMed below 0.00001; gnomAD exomes 0.00001; gnomAD 0.00002.

Submission:

Labcorp Genetics (formerly Invitae), Labcorp
Classification: Uncertain significance for Congenital disorder of deglycosylation. Last evaluated: 2022-07-18. Review status: criteria provided, single submitter. Criteria: Invitae Variant Classification Sherloc (09022015). Collection method: clinical testing. Allele origin: germline.
Comment: This sequence change replaces alanine, which is neutral and non-polar, with threonine, which is neutral and polar, at codon 129 of the NGLY1 protein (p.Ala129Thr). This variant is present in population databases (no rsID available, gnomAD 0.003%). This variant has not been reported in the literature in individuals affected with NGLY1-related conditions. Algorithms developed to predict the effect of missense changes on protein structure and function output the following: SIFT: "Tolerated"; PolyPhen-2: "Benign"; Align-GVGD: "Class C0". The threonine amino acid residue is found in multiple mammalian species, which suggests that this missense change does not adversely affect protein function. In summary, the available evidence is currently insufficient to determine the role of this variant in disease. Therefore, it has been classified as a Variant of Uncertain Significance.

NM_018297.4(NGLY1):c.385G>A (p.Ala129Thr)

Gene: NGLY1 (N-glycanase 1; minus strand). Cytogenetic location: 3p24.2.
Variant type: single nucleotide variant.
Coding change: c.385G>A on transcript NM_018297.4 (MANE Select); coding-DNA position 385, G replaced by A.
Protein change: p.Ala129Thr; replaces alanine 129 with threonine.
Molecular consequence: missense variant.
Genome position (GRCh38, 1-based): chr3:25,764,173, C>T on the plus strand (G>A on the coding strand, the complement: NGLY1 is on the minus strand). VCF-style: chr3-25764173-C-T. GRCh37 (hg19) VCF-style: chr3-25805664-C-T.
Other names: c.385G>A, p.Ala129Thr (NM_001145293.2, NM_001145295.2); c.259G>A, p.Ala87Thr (NM_001145294.2); short protein forms A87T, A129T.
Identifiers: ClinVar variation 1976869 (VCV001976869.2), dbSNP rs1361743299, ClinGen allele CA351908984.
Genomic context (GRCh38, chr3:25,764,173, plus strand): 5'-TGTGCTGGTTTAACCCACTGGGATTTGAAGATGGTGTTGTAGGAAGCTGGGTACTGGCTG[C>T]AGGTTGCTGAGATGACTTTACTTTGTGGCTCTTATTTGAGCCATCCAGTCTGCTACTTCT-3'
Protein context (NP_060767.2, residues 119-139): SHKVKSSQQP[Ala129Thr]ASTQLPTTPS